The following is an entry in ClinVar:

NM_022773.4(LMF1):c.737C>G (p.Pro246Arg)

Gene: LMF1 (lipase maturation factor 1; minus strand). Cytogenetic location: 16p13.3.
Variant type: single nucleotide variant.
Coding change: c.737C>G on transcript NM_022773.4 (MANE Select); coding-DNA position 737, C replaced by G.
Protein change: p.Pro246Arg; replaces proline 246 with arginine.
Molecular consequence: missense variant. On other transcripts: non-coding transcript variant (1).
Genome position (GRCh38, 1-based): chr16:879,730, G>C on the plus strand (C>G on the coding strand, the complement: LMF1 is on the minus strand). VCF-style: chr16-879730-G-C. GRCh37 (hg19) VCF-style: chr16-929730-G-C.
Other names: c.86C>G, p.Pro29Arg (NM_001352017.2, NM_001352021.2); c.338C>G, p.Pro113Arg (NM_001352018.2); c.410C>G, p.Pro137Arg (NM_001352019.2); c.737C>G, p.Pro246Arg (NM_001352020.1); short protein forms P113R, P137R, P29R, P246R.
Identifiers: ClinVar variation 4980074 (VCV004980074.1).

ClinVar aggregate classification (germline): Uncertain significance (1 of 4 stars; one submission).

Conditions:
LMF1-related disorder. Also called: LMF1-related condition.

gnomAD v4.1: 2 of 1,585,444 alleles (0.00013%); highest among the groups gnomAD compares: Admixed American, 0.0036%; no homozygotes.

Submission:

PreventionGenetics, part of Exact Sciences
Classification: Uncertain significance for LMF1-related condition. Last evaluated: 2026-01-20. Review status: criteria provided, single submitter. Criteria: ACMG Guidelines, 2015. Collection method: clinical testing. Allele origin: germline.
Comment: The LMF1 c.737C>G variant is predicted to result in the amino acid substitution p.Pro246Arg. This variant has been reported in cohort studies with hypertriglyceridemia or dyslipidemias (Table S4, Dron et al. 2020. PubMed ID: 32041611; Table S2, Deshotels et al. 2022. PubMed ID: 36325899). This variant is not reported in a large population database (gnomAD), indicating this variant is rare. At this time, the clinical significance of this variant is uncertain due to the absence of conclusive functional and genetic evidence.